The following is an entry in ClinVar:

NM_014875.3(KIF14):c.1607+7A>G

Gene: KIF14 (kinesin family member 14; minus strand). Cytogenetic location: 1q32.1.
Variant type: single nucleotide variant.
Coding change: c.1607+7A>G on transcript NM_014875.3 (MANE Select); 7 bases into the intron after coding-DNA position 1607, A replaced by G.
Molecular consequence: intron variant.
Genome position (GRCh38, 1-based): chr1:200,606,739, T>C on the plus strand (A>G on the coding strand, the complement: KIF14 is on the minus strand). VCF-style: chr1-200606739-T-C. GRCh37 (hg19) VCF-style: chr1-200575867-T-C.
Other names: p.?; c.134+7A>G (NM_001305792.1).
Identifiers: ClinVar variation 754104 (VCV000754104.6), dbSNP rs200032403, ClinGen allele CA1317789.
Genomic context (GRCh38, chr1:200,606,739, plus strand): 5'-TGGGAGAGTAACATTCACTCTATTCATTTGTTTTATCCTCTTTGCCCTTGCTGAGCCAAA[T>C]ACTTACATTGACAGTGCTTCAACATATGGTCCATAAACAGGATGTTCCCTCACTCTCAGC-3'

ClinVar aggregate classification (germline): Likely benign. Review status: criteria provided, multiple submitters, no conflicts (2 of 4 stars). 2 submissions from 2 submitters: Likely benign (2). Last evaluated 2025-12-20.

Allele frequency attached by ClinVar (database versions not stated): TOPMed 0.00002; gnomAD 0.00004 and 0.00008; ExAC 0.00010; gnomAD exomes 0.00010 and 0.00019; 1000 Genomes Project 30x 0.00016; 1000 Genomes Project 0.00020.
gnomAD v4.1: 273 of 1,612,590 alleles (0.017%); highest among the groups gnomAD compares: East Asian, 0.6%; 2 homozygotes.

Submissions (2):

Labcorp Genetics (formerly Invitae), Labcorp
Classification: Likely benign. Last evaluated: 2025-12-20. Review status: criteria provided, single submitter. Criteria: Invitae Variant Classification Sherloc (09022015). Collection method: clinical testing. Allele origin: germline.

Mayo Clinic Laboratories, Mayo Clinic
Classification: Likely benign. Last evaluated: 2025-07-15. Review status: criteria provided, single submitter. Criteria: ACMG Guidelines, 2015. Collection method: clinical testing. Allele origin: germline. Observed: 1 variant allele.
Comment: BS1, BP4, BP7